The following is an entry in ClinVar:

ClinVar aggregate classification (germline): Uncertain significance (1 of 4 stars; one submission).

Conditions:
Noonan syndrome-like disorder with loose anagen hair 1 (NSLH1). Also called: MAZZANTI SYNDROME; TOSTI SYNDROME. Identifiers: Orphanet 2701, MedGen C4478716, MONDO:0054637, OMIM 607721.

Submission:

Baylor Genetics
Classification: Uncertain significance for Noonan syndrome-like disorder with loose anagen hair 1. Last evaluated: 2019-04-06. Review status: criteria provided, single submitter. Criteria: ACMG Guidelines, 2015. Collection method: clinical testing. Allele origin: maternal. Affected: yes.
Comment: This variant was determined to be of uncertain significance according to ACMG Guidelines, 2015 [PMID:25741868].

NM_007373.4(SHOC2):c.506_507delinsC (p.Lys169fs)

Gene: SHOC2 (SHOC2 leucine rich repeat scaffold protein; plus strand). Cytogenetic location: 10q25.2.
Variant type: Indel.
Coding change: c.506_507delinsC on transcript NM_007373.4 (MANE Select); coding-DNA positions 506 to 507, AG replaced by C.
Protein change: p.Lys169fs; shifts the reading frame from lysine 169.
Molecular consequence: frameshift variant.
Genome position (GRCh38, 1-based): chr10:110,964,864-110,964,865, AG replaced by C. VCF-style: chr10-110964864-AG-C. GRCh37 (hg19) VCF-style: chr10-112724622-AG-C.
Other names: c.506_507delinsC, p.Lys169fs (NM_001269039.3, NM_001324336.2, NM_001324337.2); short protein forms K169fs.
Identifiers: ClinVar variation 1030214 (VCV001030214.1), dbSNP rs1847643137, ClinGen allele CA2497309233.